The following is an entry in ClinVar:

NM_178857.6(RP1L1):c.4018_4019insGGACTAAAGTAATAGAAGGGCTGCAAGAAGAGAGGGTGCAGTTAGAGG (p.Glu1339_Glu1340insGlyThrLysValIleGluGlyLeuGlnGluGluArgValGlnLeuGlu)

Gene: RP1L1 (RP1 like 1). Cytogenetic location: 8p23.1.
Variant type: Insertion.
Coding change: c.4018_4019insGGACTAAAGTAATAGAAGGGCTGCAAGAAGAGAGGGTGCAGTTAGAGG on transcript NM_178857.6 (MANE Select); coding-DNA positions 4018 to 4019, GGACTAAAGTAATAGAAGGGCTGCAAGAAGAGAGGGTGCAGTTAGAGG inserted.
Protein change: p.Glu1339_Glu1340insGlyThrLysValIleGluGlyLeuGlnGluGluArgValGlnLeuGlu.
Molecular consequence: inframe insertion.
Genome position: GRCh38: chr8:10,610,094-10,610,095. GRCh37 (hg19): chr8:10,467,604-10,467,605.
Identifiers: ClinVar variation 802390 (VCV000802390.7), dbSNP rs1585963467, ClinGen allele CA645559050.

ClinVar aggregate classification (germline): Benign/Likely benign. Review status: criteria provided, multiple submitters, no conflicts (2 of 4 stars). 5 submissions from 5 submitters: Benign (1); Likely benign (1). 3 of the submissions do not count toward it. Last evaluated 2025-02-16.

Conditions:
Occult macular dystrophy (OCMD). Also called: OMD; OCCULT MACULAR DYSTROPHY, SUSCEPTIBILITY TO. Identifiers: Orphanet 247834, MedGen C3150833, MONDO:0013316, OMIM 613587, HP:0030636.

Submissions (5):

Laboratory of Genetics, Children's Clinical University Hospital Latvia
Classification: Benign. Last evaluated: 2025-02-16. Review status: criteria provided, single submitter. Criteria: ACMG Guidelines, 2015. Collection method: clinical testing. Allele origin: germline. Affected: yes.

Mendelics
Classification: Likely benign for Occult macular dystrophy. Last evaluated: 2019-05-28. Review status: criteria provided, single submitter. Criteria: Mendelics Assertion Criteria 2017. Collection method: clinical testing. Allele origin: unknown.

Clinical Genetics DNA and cytogenetics Diagnostics Lab, Erasmus MC, Erasmus Medical Center
Classification: Likely benign. Review status: no assertion criteria provided. Collection method: clinical testing. Allele origin: germline. Affected: yes. Study: VKGL Data-share Consensus. Not counted in ClinVar's aggregate classification.

Clinical Genetics, Academic Medical Center
Classification: Benign. Review status: no assertion criteria provided. Collection method: clinical testing. Allele origin: germline. Affected: yes. Study: VKGL Data-share Consensus. Not counted in ClinVar's aggregate classification.

Department of Pathology and Laboratory Medicine, Sinai Health System
Classification: Uncertain significance. Review status: no assertion criteria provided. Collection method: clinical testing. Allele origin: unknown. Affected: yes. Study: The Canadian Open Genetics Repository (COGR). Not counted in ClinVar's aggregate classification.
Comment: The RP1L1 p.Glu1339_Glu1340ins16 variant was not identified in the literature nor was it identified in the dbSNP or ClinVar databases. The variant was identified in Cosmic and LOVD 3.0. The variant was not identified in the following control databases: the 1000 Genomes Project, the NHLBI GO Exome Sequencing Project, the Exome Aggregation Consortium (August 8th 2016), or the Genome Aggregation Database (Feb 27, 2017). This variant is an in-frame insertion resulting in the insertion of 16 codons into the reading frame; the impact of this alteration on RP1L1 protein function is not known. In summary, based on the above information the clinical significance of this variant cannot be determined with certainty at this time. This variant is classified as a variant of uncertain significance.